The following is an entry in ClinVar:

NM_177438.3(DICER1):c.3172C>G (p.Leu1058Val)

Gene: DICER1 (dicer 1, ribonuclease III; minus strand). Cytogenetic location: 14q32.13.
Variant type: single nucleotide variant.
Coding change: c.3172C>G on transcript NM_177438.3 (MANE Select); coding-DNA position 3172, C replaced by G.
Protein change: p.Leu1058Val; replaces leucine 1058 with valine.
Molecular consequence: missense variant. On other transcripts: non-coding transcript variant (6).
Genome position (GRCh38, 1-based): chr14:95,105,168, G>C on the plus strand (C>G on the coding strand, the complement: DICER1 is on the minus strand). VCF-style: chr14-95105168-G-C. GRCh37 (hg19) VCF-style: chr14-95571505-G-C.
Other names: c.3172C>G, p.Leu1058Val (NM_001195573.1, NM_001271282.3, NM_001291628.2 and 13 more transcripts); c.2890C>G, p.Leu964Val (NM_001395686.1); c.2767C>G, p.Leu923Val (NM_001395687.1, NM_001395688.1, NM_001395689.1 and 2 more transcripts); c.2605C>G, p.Leu869Val (NM_001395691.1); c.1489C>G, p.Leu497Val (NM_001395697.1); short protein forms L1058V, L497V, L869V, L923V, L964V.
Identifiers: ClinVar variation 3229360 (VCV003229360.2), dbSNP rs1555370024, ClinGen allele CA390876663.

ClinVar aggregate classification (germline): Uncertain significance. Review status: criteria provided, multiple submitters, no conflicts (2 of 4 stars). 2 submissions from 2 submitters: Uncertain significance (2). Last evaluated 2024-02-07.

Conditions:
Hereditary cancer-predisposing syndrome. Also called: Neoplastic Syndromes, Hereditary; Tumor predisposition; Hereditary neoplastic syndrome; Hereditary Cancer Syndrome. Identifiers: Orphanet 140162, MedGen C0027672, MeSH D009386, MONDO:0015356.

Submissions (2):

GeneDx
Classification: Uncertain significance. Last evaluated: 2024-02-07. Review status: criteria provided, single submitter. Criteria: GeneDx Variant Classification Process June 2021. Collection method: clinical testing. Allele origin: germline. Affected: yes.
Comment: Not observed at significant frequency in large population cohorts (gnomAD); In silico analysis supports that this missense variant has a deleterious effect on protein structure/function; Has not been previously published as pathogenic or benign to our knowledge

Ambry Genetics
Classification: Uncertain significance for Hereditary cancer-predisposing syndrome. Last evaluated: 2024-02-02. Review status: criteria provided, single submitter. Criteria: Ambry Variant Classification Scheme 2023. Collection method: clinical testing. Allele origin: germline.
Comment: The p.L1058V variant (also known as c.3172C>G), located in coding exon 19 of the DICER1 gene, results from a C to G substitution at nucleotide position 3172. The leucine at codon 1058 is replaced by valine, an amino acid with highly similar properties. This amino acid position is conserved. In addition, the in silico prediction for this alteration is inconclusive. Based on the available evidence, the clinical significance of this alteration remains unclear.